The following is an entry in ClinVar:

ClinVar aggregate classification (germline): Uncertain significance. Review status: criteria provided, multiple submitters, no conflicts (2 of 4 stars). 2 submissions from 2 submitters: Uncertain significance (2). Last evaluated 2024-01-29.

Conditions:
Inborn genetic diseases. Identifiers: MedGen C0950123, MeSH D030342.
MHC class II deficiency. Also called: BLS, TYPE II; Bare lymphocyte syndrome 2. Identifiers: Orphanet 572, MedGen C5447452, MONDO:0008855.

Allele frequency attached by ClinVar (database versions not stated): gnomAD exomes 0.00001; ExAC 0.00002; gnomAD 0.00002; TOPMed 0.00002; 1000 Genomes Project 30x 0.00016; 1000 Genomes Project 0.00020.
gnomAD v4.1: 13 of 1,613,132 alleles (0.00081%); highest among the groups gnomAD compares: South Asian, 0.0022%; no homozygotes.

Submissions (2):

Ambry Genetics
Classification: Uncertain significance for Inborn genetic diseases. Last evaluated: 2024-01-29. Review status: criteria provided, single submitter. Criteria: Ambry Variant Classification Scheme 2023. Collection method: clinical testing. Allele origin: germline.

Labcorp Genetics (formerly Invitae), Labcorp
Classification: Uncertain significance for MHC class II deficiency. Last evaluated: 2021-09-24. Review status: criteria provided, single submitter. Criteria: Invitae Variant Classification Sherloc (09022015). Collection method: clinical testing. Allele origin: germline.
Comment: This sequence change replaces proline with leucine at codon 356 of the CIITA protein (p.Pro356Leu). The proline residue is moderately conserved and there is a moderate physicochemical difference between proline and leucine. This variant is present in population databases (rs527539420, ExAC 0.006%). This variant has not been reported in the literature in individuals with CIITA-related conditions. Algorithms developed to predict the effect of missense changes on protein structure and function output the following: SIFT: "Tolerated"; PolyPhen-2: "Benign"; Align-GVGD: "Class C0". The leucine amino acid residue is found in multiple mammalian species, suggesting that this missense change does not adversely affect protein function. These predictions have not been confirmed by published functional studies and their clinical significance is uncertain. In summary, the available evidence is currently insufficient to determine the role of this variant in disease. Therefore, it has been classified as a Variant of Uncertain Significance.

NM_000246.4(CIITA):c.1067C>T (p.Pro356Leu)

Gene: CIITA (class II major histocompatibility complex transactivator; plus strand). Cytogenetic location: 16p13.13.
Variant type: single nucleotide variant.
Coding change: c.1067C>T on transcript NM_000246.4 (MANE Select); coding-DNA position 1067, C replaced by T.
Protein change: p.Pro356Leu; replaces proline 356 with leucine.
Molecular consequence: missense variant. On other transcripts: intron variant (1).
Genome position (GRCh38, 1-based): chr16:10,906,559, C>T. VCF-style: chr16-10906559-C-T. GRCh37 (hg19) VCF-style: chr16-11000416-C-T.
Other names: c.1067C>T (NM_000246.3); c.1070C>T, p.Pro357Leu (NM_001286402.1, NM_001379332.1); c.923C>T, p.Pro308Leu (NM_001379330.1); c.920C>T, p.Pro307Leu (NM_001379331.1); c.1067C>T, p.Pro356Leu (NM_001379333.1); c.998C>T, p.Pro333Leu (NM_001379334.1); c.859+1747C>T (NM_001286403.2); short protein forms P356L, P357L, P307L, P333L, P308L.
Identifiers: ClinVar variation 1461373 (VCV001461373.6), dbSNP rs527539420, ClinGen allele CA7900049.